The following is an entry in ClinVar:

NM_006073.4(TRDN):c.129G>A (p.Thr43=)

Gene: TRDN (triadin; minus strand). Cytogenetic location: 6q22.31.
Variant type: single nucleotide variant.
Coding change: c.129G>A on transcript NM_006073.4 (MANE Select); coding-DNA position 129, G replaced by A.
Protein change: p.Thr43=; no amino-acid change (threonine 43 retained).
Molecular consequence: synonymous variant.
Genome position (GRCh38, 1-based): chr6:123,571,026, C>T on the plus strand (G>A on the coding strand, the complement: TRDN is on the minus strand). VCF-style: chr6-123571026-C-T. GRCh37 (hg19) VCF-style: chr6-123892171-C-T.
Other names: c.129G>A, p.Thr43= (NM_001251987.2, NM_001256020.2, NM_001256021.2 and 1 more transcripts).
Identifiers: ClinVar variation 391303 (VCV000391303.18), dbSNP rs373840513, ClinGen allele CA3984462.
Genomic context (GRCh38, chr6:123,571,026, plus strand): 5'-AACAGCTGACCACGTGATTATCAGGGCAATGACCAGAAGCCAGGCTGCAGGGGAGCTGAA[C>T]GTCGTCACTATGTCTTCTGTGACTGTCCTCTTCAGCACTTTTCCGGGGGATTTGGGCACA-3'
Protein context (NP_006064.2, residues 33-53): KRTVTEDIVT[Thr43=]FSSPAAWLLV

ClinVar aggregate classification (germline): Likely benign. Review status: criteria provided, multiple submitters, no conflicts (2 of 4 stars). 4 submissions from 4 submitters: Likely benign (4). Last evaluated 2025-12-26.

Conditions:
Cardiovascular phenotype. Identifiers: MedGen CN230736.
Catecholaminergic polymorphic ventricular tachycardia 1. Also called: RYR2-Related Catecholaminergic Polymorphic Ventricular Tachycardia; VENTRICULAR TACHYCARDIA, CATECHOLAMINERGIC POLYMORPHIC, 1, WITH OR WITHOUT ATRIAL DYSFUNCTION AND/OR DILATED CARDIOMYOPATHY; VENTRICULAR TACHYCARDIA, STRESS-INDUCED POLYMORPHIC 1. Identifiers: Orphanet 3286, MedGen C1631597, MONDO:0011484, OMIM 604772.

Allele frequency attached by ClinVar (database versions not stated): gnomAD exomes 0.00010; gnomAD 0.00011 and 0.00012; TOPMed 0.00011; ExAC 0.00013; ESP Exome Variant Server 0.00024; 1000 Genomes Project 0.00040; 1000 Genomes Project 30x 0.00062.
gnomAD v4.1: 79 of 1,613,974 alleles (0.0049%); highest among the groups gnomAD compares: South Asian, 0.04%; no homozygotes.

Submissions (4):

Labcorp Genetics (formerly Invitae), Labcorp
Classification: Likely benign for Catecholaminergic polymorphic ventricular tachycardia 1. Last evaluated: 2025-12-26. Review status: criteria provided, single submitter. Criteria: Invitae Variant Classification Sherloc (09022015). Collection method: clinical testing. Allele origin: germline.

Ambry Genetics
Classification: Likely benign for Cardiovascular phenotype. Last evaluated: 2021-12-29. Review status: criteria provided, single submitter. Criteria: Ambry Variant Classification Scheme 2023. Collection method: clinical testing. Allele origin: germline.

GeneDx
Classification: Likely benign. Last evaluated: 2020-09-11. Review status: criteria provided, single submitter. Criteria: GeneDx Variant Classification Process June 2021. Collection method: clinical testing. Allele origin: germline. Affected: yes.

Laboratory for Molecular Medicine, Mass General Brigham Personalized Medicine
Classification: Likely benign. Last evaluated: 2016-05-18. Review status: criteria provided, single submitter. Criteria: LMM Criteria. Collection method: clinical testing. Allele origin: germline. Observed: 1 variant allele.
Comment: p.Thr43Thr in exon 2 of TRDN: This variant is not expected to have clinical sign ificance because it does not alter an amino acid residue and is not located with in the splice consensus sequence. It has been identified in 11/16512 of South As ian chromosomes by the Exome Aggregation Consortium (ExAC; dbSNP rs373840513).